The following is an entry in ClinVar:

NM_006343.3(MERTK):c.1786+5G>T

Gene: MERTK (MER proto-oncogene, tyrosine kinase; plus strand). Cytogenetic location: 2q13.
Variant type: single nucleotide variant.
Coding change: c.1786+5G>T on transcript NM_006343.3 (MANE Select); 5 bases into the intron after coding-DNA position 1786, G replaced by T.
Molecular consequence: intron variant.
Genome position (GRCh38, 1-based): chr2:112,003,192, G>T. VCF-style: chr2-112003192-G-T. GRCh37 (hg19) VCF-style: chr2-112760769-G-T.
Identifiers: ClinVar variation 2108277 (VCV002108277.5), dbSNP rs2466879301, ClinGen allele CA2528538112.

ClinVar aggregate classification (germline): Uncertain significance. Review status: criteria provided, multiple submitters, no conflicts (2 of 4 stars). 2 submissions from 2 submitters: Uncertain significance (2). Last evaluated 2025-05-16.

Conditions:
Retinitis pigmentosa 38 (RP38). Also called: ROD-CONE DYSTROPHY, CHILDHOOD-ONSET. Identifiers: Orphanet 791, MedGen C3151228, MONDO:0013469, OMIM 613862.

Submissions (2):

Revvity Omics, Revvity
Classification: Uncertain significance for Retinitis pigmentosa 38. Last evaluated: 2025-05-16. Review status: criteria provided, single submitter. Criteria: ACMG Guidelines, 2015. Collection method: clinical testing. Allele origin: germline.

Labcorp Genetics (formerly Invitae), Labcorp
Classification: Uncertain significance. Last evaluated: 2022-11-08. Review status: criteria provided, single submitter. Criteria: Invitae Variant Classification Sherloc (09022015). Collection method: clinical testing. Allele origin: germline.
Comment: This variant has not been reported in the literature in individuals affected with MERTK-related conditions. This sequence change falls in intron 12 of the MERTK gene. It does not directly change the encoded amino acid sequence of the MERTK protein. It affects a nucleotide within the consensus splice site. This variant is not present in population databases (gnomAD no frequency). Variants that disrupt the consensus splice site are a relatively common cause of aberrant splicing (PMID: 17576681, 9536098). Algorithms developed to predict the effect of sequence changes on RNA splicing suggest that this variant is not likely to affect RNA splicing. In summary, the available evidence is currently insufficient to determine the role of this variant in disease. Therefore, it has been classified as a Variant of Uncertain Significance.

Literature cited by the submitters: PubMed 17576681 (cited by Labcorp Genetics (formerly Invitae), Labcorp); PubMed 9536098 (cited by Labcorp Genetics (formerly Invitae), Labcorp).